The following is an entry in ClinVar:

NM_004415.4(DSP):c.949A>C (p.Ser317Arg)

Gene: DSP (desmoplakin; plus strand). Cytogenetic location: 6p24.3.
Variant type: single nucleotide variant.
Coding change: c.949A>C on transcript NM_004415.4 (MANE Select); coding-DNA position 949, A replaced by C.
Protein change: p.Ser317Arg; replaces serine 317 with arginine.
Molecular consequence: missense variant.
Genome position (GRCh38, 1-based): chr6:7,566,386, A>C. VCF-style: chr6-7566386-A-C. GRCh37 (hg19) VCF-style: chr6-7566619-A-C.
Other names: c.949A>C, p.Ser317Arg (NM_001008844.3, NM_001319034.2, NM_001406591.1); short protein forms S317R.
Identifiers: ClinVar variation 4757475 (VCV004757475.1).

ClinVar aggregate classification (germline): Uncertain significance (1 of 4 stars; one submission).

Conditions:
Cardiomyopathy (CMYO). Also called: Cardiomyopathies. Identifiers: Orphanet 167848, MedGen C0878544, MONDO:0004994, HP:0001638. Inheritance: Various modes of inheritance.

Submission:

Color Diagnostics, LLC DBA Color Health
Classification: Uncertain significance for Cardiomyopathy. Last evaluated: 2025-06-30. Review status: criteria provided, single submitter. Criteria: ACMG Guidelines, 2015. Collection method: clinical testing. Allele origin: germline.
Comment: This missense variant replaces serine with arginine at codon 317 of the DSP protein. Computational prediction suggests that this variant may not impact protein structure and function. To our knowledge, functional studies have not been reported for this variant. This variant has not been reported in individuals affected with DSP-related disorders in the literature. This variant has not been identified in the general population by the Genome Aggregation Database (gnomAD). The available evidence is insufficient to determine the role of this variant in disease conclusively. Therefore, this variant is classified as a Variant of Uncertain Significance.